The following is an entry in ClinVar:

NM_003185.4(TAF4):c.221G>T (p.Gly74Val)

Gene: TAF4 (TATA-box binding protein associated factor 4; minus strand). Cytogenetic location: 20q13.33.
Variant type: single nucleotide variant.
Coding change: c.221G>T on transcript NM_003185.4 (MANE Select); coding-DNA position 221, G replaced by T.
Protein change: p.Gly74Val; replaces glycine 74 with valine.
Molecular consequence: missense variant.
Genome position (GRCh38, 1-based): chr20:62,065,590, C>A on the plus strand (G>T on the coding strand, the complement: TAF4 is on the minus strand). VCF-style: chr20-62065590-C-A. GRCh37 (hg19) VCF-style: chr20-60640646-C-A.
Other names: short protein forms G74V.
Identifiers: ClinVar variation 3342031 (VCV003342031.16).
Genomic context (GRCh38, chr20:62,065,590, plus strand): 5'-CTACCTGCGGGGGGCGGCTCCGGCGCCGCTCCGGGCGCGCCCTCGGCGGGGGCGGCCGGC[C>A]CTGCGCCCGCGGCTCCGGCCGGGCTGCCGCTCACAACATGGTTCCCGAGCGCGCCGGCGG-3'
Protein context (NP_003176.2, residues 64-84): SGSPAGAAGA[Gly74Val]PAAPAEGAPG

ClinVar aggregate classification (germline): Uncertain significance (1 of 4 stars; one submission).

Submission:

CeGaT Center for Human Genetics Tuebingen
Classification: Uncertain significance. Last evaluated: 2024-07-01. Review status: criteria provided, single submitter. Criteria: CeGaT Center For Human Genetics Tuebingen Variant Classification Criteria Version 2. Collection method: clinical testing. Allele origin: germline. Affected: yes. Observed: 1 variant allele.
Comment: TAF4: PM2